The following is an entry in ClinVar:

NM_001384474.1(LOXHD1):c.51C>T (p.Ala17=)

Gene: LOXHD1 (lipoxygenase homology PLAT domains 1; minus strand). Cytogenetic location: 18q21.1.
Variant type: single nucleotide variant.
Coding change: c.51C>T on transcript NM_001384474.1 (MANE Select); coding-DNA position 51, C replaced by T.
Protein change: p.Ala17=; no amino-acid change (alanine 17 retained).
Molecular consequence: synonymous variant.
Genome position (GRCh38, 1-based): chr18:46,656,983, G>A on the plus strand (C>T on the coding strand, the complement: LOXHD1 is on the minus strand). VCF-style: chr18-46656983-G-A. GRCh37 (hg19) VCF-style: chr18-44236946-G-A.
Other names: c.51C>T, p.Ala17= (NM_144612.7).
Identifiers: ClinVar variation 667124 (VCV000667124.35), dbSNP rs1454767391, ClinGen allele CA503812582.

ClinVar aggregate classification (germline): Likely benign. Review status: criteria provided, multiple submitters, no conflicts (2 of 4 stars). 3 submissions from 3 submitters: Likely benign (3). Last evaluated 2024-08-26.

Allele frequency attached by ClinVar (database versions not stated): gnomAD exomes below 0.00001; gnomAD 0.00001; TOPMed 0.00001.
gnomAD v4.1: 4 of 1,551,534 alleles (0.00026%); highest among the groups gnomAD compares: Admixed American, 0.0059%; no homozygotes.

Submissions (3):

Labcorp Genetics (formerly Invitae), Labcorp
Classification: Likely benign. Last evaluated: 2024-08-26. Review status: criteria provided, single submitter. Criteria: Invitae Variant Classification Sherloc (09022015). Collection method: clinical testing. Allele origin: germline.

CeGaT Center for Human Genetics Tuebingen
Classification: Likely benign. Last evaluated: 2022-04-01. Review status: criteria provided, single submitter. Criteria: CeGaT Center For Human Genetics Tuebingen Variant Classification Criteria Version 2. Collection method: clinical testing. Allele origin: germline. Affected: yes. Observed: 1 variant allele.
Comment: LOXHD1: BP4, BP7

Laboratory for Molecular Medicine, Mass General Brigham Personalized Medicine
Classification: Likely benign. Last evaluated: 2018-02-24. Review status: criteria provided, single submitter. Criteria: LMM Criteria. Collection method: clinical testing. Allele origin: germline. Observed: 1 variant allele.
Comment: p.Ala17Ala in exon 1 of LOXHD1: This variant is not expected to have clinical si gnificance because it does not alter an amino acid residue, is not located withi n the splice consensus sequence and splice prediction algorithms do not predict a newly created splice site. ACMG/AMP Criteria applied: BP4; BP7.